The following is an entry in ClinVar:

ClinVar aggregate classification (germline): Conflicting classifications of pathogenicity. Review status: criteria provided, conflicting classifications (1 of 4 stars). 4 submissions from 4 submitters: Uncertain significance (2); Likely benign (2). Last evaluated 2025-11-11.

Conditions:
Inborn genetic diseases. Identifiers: MedGen C0950123, MeSH D030342.

Submissions (4):

Labcorp Genetics (formerly Invitae), Labcorp
Classification: Uncertain significance. Last evaluated: 2025-11-11. Review status: criteria provided, single submitter. Criteria: Invitae Variant Classification Sherloc (09022015). Collection method: clinical testing. Allele origin: germline.
Comment: This variant, c.5043_5048dup, results in the insertion of 2 amino acid(s) of the KMT2E protein (p.Pro1683_Pro1684dup), but otherwise preserves the integrity of the reading frame. This variant is present in population databases (rs751442182, gnomAD 0.02%). This variant has not been reported in the literature in individuals affected with KMT2E-related conditions. ClinVar contains an entry for this variant (Variation ID: 2061801). In summary, the available evidence is currently insufficient to determine the role of this variant in disease. Therefore, it has been classified as a Variant of Uncertain Significance.

Ambry Genetics
Classification: Likely benign for Inborn genetic diseases. Last evaluated: 2025-07-16. Review status: criteria provided, single submitter. Criteria: Ambry Variant Classification Scheme 2023. Collection method: clinical testing. Allele origin: germline.

Blueprint Genetics
Classification: Likely benign. Last evaluated: 2024-10-21. Review status: criteria provided, single submitter. Criteria: ACMG Guidelines, 2015. Collection method: clinical testing. Allele origin: germline.

GeneDx
Classification: Uncertain significance. Last evaluated: 2024-05-15. Review status: criteria provided, single submitter. Criteria: GeneDx Variant Classification Process June 2021. Collection method: clinical testing. Allele origin: germline. Affected: yes.
Comment: In-frame insertion of 2 amino acids in a non-repeat region; Has not been previously published as pathogenic or benign to our knowledge

NM_182931.3(KMT2E):c.5031ACCCCC[4] (p.Pro1684_Gly1685insProPro)

Gene: KMT2E (lysine methyltransferase 2E (inactive); plus strand). Cytogenetic location: 7q22.3.
Variant type: Microsatellite.
Coding change: c.5031ACCCCC[4] on transcript NM_182931.3 (MANE Select); four copies in a row of the 6-base unit ACCCCC starting at c.5031; the reference has three copies in a row; one copy, 6 bases duplicated; also written c.5043_5048dup.
Protein change: p.Pro1684_Gly1685insProPro.
Molecular consequence: inframe insertion. On other transcripts: inframe indel (1).
Genome position (GRCh38, 1-based): chr7:105,112,799-105,112,804, ACCCCC duplicated; duplicating any 6 consecutive bases within chr7:105,112,787-105,112,804 gives the same sequence; the position shown is the placement nearest the transcript's 3' end. VCF-style (leftmost placement, unchanged base first): chr7-105112786-T-TACCCCC. GRCh37 (hg19) VCF-style: chr7-104753233-T-TACCCCC.
Other names: c.5043_5048dup (NM_182931.2); c.4905_4910ACCCCC[4], p.Pro1642_Gly1643insProPro (NM_001410908.1); c.5031ACCCCC[4], p.Pro1684_Gly1685insProPro (NM_018682.4); c.5043_5048dupACCCCC (NM_182931.2).
Identifiers: ClinVar variation 2061801 (VCV002061801.7), dbSNP rs751442182, ClinGen allele CA4424888.